The following is an entry in ClinVar:

NM_005431.2(XRCC2):c.22G>C (p.Ala8Pro)

Gene: XRCC2 (X-ray repair cross complementing 2; minus strand). Cytogenetic location: 7q36.1.
Variant type: single nucleotide variant.
Coding change: c.22G>C on transcript NM_005431.2 (MANE Select); coding-DNA position 22, G replaced by C.
Protein change: p.Ala8Pro; replaces alanine 8 with proline.
Molecular consequence: missense variant.
Genome position (GRCh38, 1-based): chr7:152,676,058, C>G on the plus strand (G>C on the coding strand, the complement: XRCC2 is on the minus strand). VCF-style: chr7-152676058-C-G. GRCh37 (hg19) VCF-style: chr7-152373143-C-G.
Other names: short protein forms A8P.
Identifiers: ClinVar variation 3224666 (VCV003224666.1), dbSNP rs2098040942, ClinGen allele CA370199606.

ClinVar aggregate classification (germline): Uncertain significance (1 of 4 stars; one submission).

Conditions:
Hereditary cancer-predisposing syndrome. Also called: Tumor predisposition; Hereditary neoplastic syndrome; Hereditary Cancer Syndrome; Neoplastic Syndromes, Hereditary. Identifiers: Orphanet 140162, MedGen C0027672, MeSH D009386, MONDO:0015356.

gnomAD v4.1: 1 of 1,613,840 alleles (0.000062%); highest among the groups gnomAD compares: Admixed American, 0.0017%; no homozygotes.

Submission:

Ambry Genetics
Classification: Uncertain significance for Hereditary cancer-predisposing syndrome. Last evaluated: 2024-01-20. Review status: criteria provided, single submitter. Criteria: Ambry Variant Classification Scheme 2023. Collection method: clinical testing. Allele origin: germline.
Comment: The p.A8P variant (also known as c.22G>C), located in coding exon 1 of the XRCC2 gene, results from a G to C substitution at nucleotide position 22. The alanine at codon 8 is replaced by proline, an amino acid with highly similar properties. This amino acid position is conserved. In addition, this alteration is predicted to be tolerated by in silico analysis. Based on the available evidence, the clinical significance of this alteration remains unclear.